The following is an entry in ClinVar:

NM_144498.4(OSBPL2):c.173A>C (p.Gln58Pro)

Gene: OSBPL2 (oxysterol binding protein like 2; plus strand). Cytogenetic location: 20q13.33.
Variant type: single nucleotide variant.
Coding change: c.173A>C on transcript NM_144498.4 (MANE Select); coding-DNA position 173, A replaced by C.
Protein change: p.Gln58Pro; replaces glutamine 58 with proline.
Molecular consequence: missense variant. On other transcripts: 5 prime UTR variant (1), intron variant (1).
Genome position (GRCh38, 1-based): chr20:62,260,116, A>C. VCF-style: chr20-62260116-A-C. GRCh37 (hg19) VCF-style: chr20-60835172-A-C.
Other names: c.-194A>C (NM_001363878.2); c.137A>C, p.Gln46Pro (NM_014835.5); c.-184-3500A>C (NM_001278649.3); short protein forms Q46P, Q58P.
Identifiers: ClinVar variation 1676384 (VCV001676384.10), dbSNP rs544149834, ClinGen allele CA9938346.
Genomic context (GRCh38, chr20:62,260,116, plus strand): 5'-CCAGCAAAAATAATAGGATTGGGAAAACTGGGGAGAGGCCCTCTCAAGAGAACGGAATTC[A>C]GAAACACAGGTATGTTCTCTCACGTCTGCTGTTTCTAAAATGTGTCTGTAATCACCCCAA-3'
Protein context (NP_653081.1, residues 48-68): GERPSQENGI[Gln58Pro]KHRTSLPAPM

ClinVar aggregate classification (germline): Uncertain significance. Review status: criteria provided, multiple submitters, no conflicts (2 of 4 stars). 4 submissions from 4 submitters: Uncertain significance (3). 1 of the submissions does not count toward it. Last evaluated 2026-09-28.

Conditions:
OSBPL2-related disorder. Also called: OSBPL2-related condition.
Inborn genetic diseases. Identifiers: MedGen C0950123, MeSH D030342.

Submissions (4):

GeneDx
Classification: Uncertain significance. Last evaluated: 2026-09-28. Review status: criteria provided, single submitter. Criteria: GeneDx Variant Classification Process June 2021. Collection method: clinical testing. Allele origin: germline.
Comment: In silico analysis suggests that this missense variant does not alter protein structure/function; Has not been previously published as pathogenic or benign to our knowledge

Ambry Genetics
Classification: Uncertain significance for Inborn genetic diseases. Last evaluated: 2023-06-21. Review status: criteria provided, single submitter. Criteria: Ambry Variant Classification Scheme 2023. Collection method: clinical testing. Allele origin: germline.

Labcorp Genetics (formerly Invitae), Labcorp
Classification: Uncertain significance. Last evaluated: 2022-12-30. Review status: criteria provided, single submitter. Criteria: Invitae Variant Classification Sherloc (09022015). Collection method: clinical testing. Allele origin: germline.
Comment: In summary, the available evidence is currently insufficient to determine the role of this variant in disease. Therefore, it has been classified as a Variant of Uncertain Significance. This variant is present in population databases (rs544149834, gnomAD 0.009%). This sequence change replaces glutamine, which is neutral and polar, with proline, which is neutral and non-polar, at codon 58 of the OSBPL2 protein (p.Gln58Pro). Algorithms developed to predict the effect of missense changes on protein structure and function (SIFT, PolyPhen-2, Align-GVGD) all suggest that this variant is likely to be tolerated. ClinVar contains an entry for this variant (Variation ID: 1676384). This variant has not been reported in the literature in individuals affected with OSBPL2-related conditions.

PreventionGenetics, part of Exact Sciences
Classification: Uncertain significance for OSBPL2-related condition. Last evaluated: 2024-09-16. Review status: no assertion criteria provided. Collection method: clinical testing. Allele origin: germline. Not counted in ClinVar's aggregate classification.
Comment: The OSBPL2 c.173A>C variant is predicted to result in the amino acid substitution p.Gln58Pro. To our knowledge, this variant has not been reported in the literature. This variant is reported in 0.0085% of alleles in individuals of European (Non-Finnish) descent in gnomAD. At this time, the clinical significance of this variant is uncertain due to the absence of conclusive functional and genetic evidence.